The following is an entry in ClinVar:

NM_014844.5(TECPR2):c.1318_1319del (p.Leu440fs)

Gene: TECPR2 (tectonin beta-propeller repeat containing 2; plus strand). Cytogenetic location: 14q32.31.
Variant type: Deletion.
Coding change: c.1318_1319del on transcript NM_014844.5 (MANE Select); coding-DNA positions 1318 to 1319, 2 bases deleted (CT; older notation c.1318_1319delCT).
Protein change: p.Leu440fs; shifts the reading frame from leucine 440.
Molecular consequence: frameshift variant.
Genome position (GRCh38, 1-based): chr14:102,432,029-102,432,030, CT deleted. VCF-style (leftmost placement, unchanged base first): chr14-102432028-CCT-C. GRCh37 (hg19) VCF-style: chr14-102898365-CCT-C.
Other names: c.1318_1319delCT (NM_014844.4); c.1318_1319del, p.Leu440fs (NM_001172631.3); short protein forms L440fs.
Identifiers: ClinVar variation 1065201 (VCV001065201.8), dbSNP rs765874018, ClinGen allele CA7357694.
Genomic context (GRCh38, chr14:102,432,028, plus strand): 5'-CTCCGGGCTCCTGCCCCCTGGGCTCCAGGCCACCCCTGAGCTGGGCAAGGGCAGCCAGCC[CCT>C]GTCACAGAGATTCAACGCCATCAGCTCAGAGGACTTTGACCAGGAGCTTGTCGTGAAGCC-3'

ClinVar aggregate classification (germline): Pathogenic/Likely pathogenic. Review status: criteria provided, multiple submitters, no conflicts (2 of 4 stars). 4 submissions from 4 submitters: Pathogenic (3); Likely pathogenic (1). Last evaluated 2025-12-19.

Conditions:
Hereditary spastic paraplegia 49 (HSAN9). Also called: Spastic paraplegia 49, autosomal recessive; TECPR2-Related Hereditary Sensory and Autonomic Neuropathy with Intellectual Disability; NEUROPATHY, HEREDITARY SENSORY AND AUTONOMIC, TYPE IX, WITH DEVELOPMENTAL DELAY. Identifiers: Orphanet 320385, MedGen C5190860, MONDO:0014016, OMIM 615031.

Allele frequency attached by ClinVar (database versions not stated): ExAC 0.00001; gnomAD exomes 0.00001; TOPMed 0.00001.

Submissions (4):

Natera, Inc.
Classification: Pathogenic for Autosomal recessive spastic paraplegia type 49. Last evaluated: 2025-12-19. Review status: criteria provided, single submitter. Criteria: Natera Variant Classification Schema (03/2026). Collection method: clinical testing. Allele origin: germline.
Comment: The c.1318_1319delCT variant in TECPR2 is a frameshift variant predicted to shift the reading frame beginning at codon 440 and leads to a stop codon 13 codons downstream. This variant is expected to result in nonsense mediated decay, truncation, or a dysfunctional protein product. This variant is rare in the general population with a frequency below the threshold expected for the associated phenotype(s). This variant has been observed in one or more individuals affected with the associated recessive disease, as either homozygous or compound heterozygous with a second variant (PMID: 39567938). Given the available evidence, this variant is classified as Pathogenic.

Myriad Genetics, Inc.
Classification: Pathogenic for Hereditary spastic paraplegia 49. Last evaluated: 2025-10-31. Review status: criteria provided, single submitter. Criteria: Myriad Autosomal Dominant, Autosomal Recessive and X-Linked Classification Criteria (2023). Collection method: clinical testing. Allele origin: unknown.
Comment: NM_014844.3(TECPR2):c.1318_1319delCT(L440Vfs*13) is a frameshift variant classified as pathogenic in the context of spastic paraplegia, TECPR2-related. L440Vfs*13 has been observed in a case with relevant disease (PMID: 34994087). Relevant functional assessments of this variant are not available in the literature. L440Vfs*13 has been observed in referenced population frequency databases. In summary, NM_014844.3(TECPR2):c.1318_1319delCT(L440Vfs*13) is a frameshift variant in a gene where loss of function is a known mechanism of disease, is predicted to disrupt protein function, and has been observed more frequently in cases with the relevant disease than in healthy populations. Please note: this variant was assessed in the context of healthy population screening.

Labcorp Genetics (formerly Invitae), Labcorp
Classification: Pathogenic for Hereditary spastic paraplegia 49. Last evaluated: 2023-01-13. Review status: criteria provided, single submitter. Criteria: Invitae Variant Classification Sherloc (09022015). Collection method: clinical testing. Allele origin: germline.
Comment: For these reasons, this variant has been classified as Pathogenic. ClinVar contains an entry for this variant (Variation ID: 1065201). This premature translational stop signal has been observed in individual(s) with TECPR2-related conditions (PMID: 34994087). This variant is present in population databases (rs765874018, gnomAD 0.007%). This sequence change creates a premature translational stop signal (p.Leu440Valfs*13) in the TECPR2 gene. It is expected to result in an absent or disrupted protein product. Loss-of-function variants in TECPR2 are known to be pathogenic (PMID: 23176824, 25590979).

Tgen's Center for Rare Childhood Disorders, Translational Genomics Research Institute (tgen)
Classification: Likely pathogenic for Hereditary spastic paraplegia 49. Last evaluated: 2021-04-26. Review status: criteria provided, single submitter. Criteria: ACMG Guidelines, 2015. Collection method: research. Allele origin: germline. Inheritance: Autosomal recessive inheritance. Affected: yes. Observed: 2 variant alleles.
Comment: This frameshift variant NM_014844.5:c.1318_1319delCT p.(Leu440Valfs*13) in exon 8/20 of TECPR2. In the general population the minor allele frequency is 0.000008 (gnomAD). Biallelic truncating or missense variants have been described to cause "Spastic paraplegia 49, autosomal recessive" (Oz-Levi et al. Am J Hum Genet. 2012, PMID: 23176824). Taken together, we classify this variant as likely pathogenic based on the ACMG recommendations (Richards et al., 2015, PMID 25741868; criteria: PVS1 PM2).

Literature cited by the submitters: PubMed 39567938 (cited by Natera, Inc.); PubMed 34994087 (cited by Myriad Genetics, Inc. and Labcorp Genetics (formerly Invitae), Labcorp); PubMed 23176824 (cited by Labcorp Genetics (formerly Invitae), Labcorp and Tgen's Center for Rare Childhood Disorders, Translational Genomics Research Institute (tgen)); PubMed 25590979 (cited by Labcorp Genetics (formerly Invitae), Labcorp).